The following is an entry in ClinVar:

ClinVar aggregate classification (germline): Uncertain significance. Review status: criteria provided, multiple submitters, no conflicts (2 of 4 stars). 2 submissions from 2 submitters: Uncertain significance (2). Last evaluated 2024-10-09.

gnomAD v4.1: 19 of 1,614,042 alleles (0.0012%); highest among the groups gnomAD compares: Admixed American, 0.0067%; no homozygotes.

Submissions (2):

GeneDx
Classification: Uncertain significance. Last evaluated: 2024-10-09. Review status: criteria provided, single submitter. Criteria: GeneDx Variant Classification Process June 2021. Collection method: clinical testing. Allele origin: germline. Affected: yes.
Comment: In silico analysis supports that this missense variant has a deleterious effect on protein structure/function; Has not been previously published as pathogenic or benign to our knowledge

Blueprint Genetics
Classification: Uncertain significance. Last evaluated: 2022-10-04. Review status: criteria provided, single submitter. Criteria: ACMG Guidelines, 2015. Collection method: clinical testing. Allele origin: germline.

NM_022124.6(CDH23):c.5576C>T (p.Thr1859Ile)

Gene: CDH23 (cadherin related 23; plus strand). Cytogenetic location: 10q22.1.
Variant type: single nucleotide variant.
Coding change: c.5576C>T on transcript NM_022124.6 (MANE Select); coding-DNA position 5576, C replaced by T.
Protein change: p.Thr1859Ile; replaces threonine 1859 with isoleucine.
Molecular consequence: missense variant.
Genome position (GRCh38, 1-based): chr10:71,784,964, C>T. VCF-style: chr10-71784964-C-T. GRCh37 (hg19) VCF-style: chr10-73544721-C-T.
Other names: short protein forms T1859I.
Identifiers: ClinVar variation 3777454 (VCV003777454.2).